The following is an entry in ClinVar:

NM_007317.3(KIF22):c.592C>T (p.Arg198Ter)

Gene: KIF22 (kinesin family member 22; plus strand). Cytogenetic location: 16p11.2.
Variant type: single nucleotide variant.
Coding change: c.592C>T on transcript NM_007317.3 (MANE Select); coding-DNA position 592, C replaced by T.
Protein change: p.Arg198Ter; replaces arginine 198 with a stop codon.
Molecular consequence: nonsense.
Genome position (GRCh38, 1-based): chr16:29,799,017, C>T. VCF-style: chr16-29799017-C-T. GRCh37 (hg19) VCF-style: chr16-29810338-C-T.
Other names: c.388C>T, p.Arg130Ter (NM_001256269.2, NM_001256270.1); short protein forms R130*, R198*.
Identifiers: ClinVar variation 4883291 (VCV004883291.2).

ClinVar aggregate classification (germline): Uncertain significance (1 of 4 stars; one submission).

gnomAD v4.1: 5 of 1,614,184 alleles (0.00031%); highest among the groups gnomAD compares: Non-Finnish European, 0.00034%; no homozygotes.

Submission:

Dasa
Classification: Uncertain significance. Last evaluated: 2026-01-29. Review status: criteria provided, single submitter. Criteria: DASA Assertion Criteria. Collection method: clinical testing. Allele origin: germline.
Comment: NM_007317.3(KIF22):c.592C>T (p.Arg198*) is a nonsense variant in KIF22 predicted to introduce a premature termination codon. This variant is rare in population databases. The currently available literature and clinical evidence are not sufficient to establish a definitive association between this variant and the reported condition. Therefore, this variant is classified as a variant of uncertain significance.